The following is an entry in ClinVar:

NM_001220.5(CAMK2B):c.1448T>C (p.Leu483Pro)

Gene: CAMK2B (calcium/calmodulin dependent protein kinase II beta; minus strand). Cytogenetic location: 7p13.
Variant type: single nucleotide variant.
Coding change: c.1448T>C on transcript NM_001220.5 (MANE Select); coding-DNA position 1448, T replaced by C.
Protein change: p.Leu483Pro; replaces leucine 483 with proline.
Molecular consequence: missense variant. On other transcripts: intron variant (8).
Genome position (GRCh38, 1-based): chr7:44,228,816, A>G on the plus strand (T>C on the coding strand, the complement: CAMK2B is on the minus strand). VCF-style: chr7-44228816-A-G. GRCh37 (hg19) VCF-style: chr7-44268415-A-G.
Other names: c.947-7915T>C (NM_172084.3); c.1150+2190T>C (NM_172080.3); c.1036+2190T>C (NM_172083.3); c.1108+2190T>C (NM_172081.3); c.1153+2190T>C (NM_172079.3, NM_172082.3); c.1225+2190T>C (NM_001293170.2, NM_172078.3); short protein forms L483P.
Identifiers: ClinVar variation 3381508 (VCV003381508.1).
Genomic context (GRCh38, chr7:44,228,816, plus strand): 5'-TCCGGCAGCAGAGGCGGCAGGCCTGGGGGCCACTACTTACACGGGGAGGACAGGGGGCCT[A>G]GGAGAGCCGGAGACAGGCAGGGCGGGGGCCCCGCTGAGAGGGGGCCCTCGGCTTCTGGGG-3'
Protein context (NP_001211.3, residues 473-493): GPPPCLSPAL[Leu483Pro]GPLSSPSPRI

ClinVar aggregate classification (germline): Uncertain significance (1 of 4 stars; one submission).

Submission:

GeneDx
Classification: Uncertain significance. Last evaluated: 2024-05-17. Review status: criteria provided, single submitter. Criteria: GeneDx Variant Classification Process June 2021. Collection method: clinical testing. Allele origin: germline. Affected: yes.
Comment: Not observed at significant frequency in large population cohorts (gnomAD); In silico analysis indicates that this missense variant does not alter protein structure/function; Has not been previously published as pathogenic or benign to our knowledge